The following is an entry in ClinVar:

NM_000143.4(FH):c.701C>A (p.Thr234Asn)

Gene: FH (fumarate hydratase; minus strand). Cytogenetic location: 1q43.
Variant type: single nucleotide variant.
Coding change: c.701C>A on transcript NM_000143.4 (MANE Select); coding-DNA position 701, C replaced by A.
Protein change: p.Thr234Asn; replaces threonine 234 with asparagine.
Molecular consequence: missense variant.
Genome position (GRCh38, 1-based): chr1:241,508,640, G>T on the plus strand (C>A on the coding strand, the complement: FH is on the minus strand). VCF-style: chr1-241508640-G-T. GRCh37 (hg19) VCF-style: chr1-241671940-G-T.
Other names: short protein forms T234N.
Identifiers: ClinVar variation 2838052 (VCV002838052.3), dbSNP rs878853695, ClinGen allele CA345439215.

ClinVar aggregate classification (germline): Likely pathogenic (1 of 4 stars; one submission).

Submission:

Labcorp Genetics (formerly Invitae), Labcorp
Classification: Likely pathogenic. Last evaluated: 2023-02-16. Review status: criteria provided, single submitter. Criteria: Invitae Variant Classification Sherloc (09022015). Collection method: clinical testing. Allele origin: germline.
Comment: This variant disrupts the p.Thr234 amino acid residue in FH. Other variant(s) that disrupt this residue have been determined to be pathogenic (PMID: 30050099; Invitae). This suggests that this residue is clinically significant, and that variants that disrupt this residue are likely to be disease-causing. Advanced modeling of protein sequence and biophysical properties (such as structural, functional, and spatial information, amino acid conservation, physicochemical variation, residue mobility, and thermodynamic stability) performed at Invitae indicates that this missense variant is expected to disrupt FH protein function. This variant has not been reported in the literature in individuals affected with FH-related conditions. This variant is not present in population databases (gnomAD no frequency). This sequence change replaces threonine, which is neutral and polar, with asparagine, which is neutral and polar, at codon 234 of the FH protein (p.Thr234Asn). In summary, the currently available evidence indicates that the variant is pathogenic, but additional data are needed to prove that conclusively. Therefore, this variant has been classified as Likely Pathogenic.

Literature cited by the submitters: PubMed 30050099.